The following is an entry in ClinVar:

NM_001354604.2(MITF):c.956-3A>T

Gene: MITF (melanocyte inducing transcription factor; plus strand). Cytogenetic location: 3p13.
Variant type: single nucleotide variant.
Coding change: c.956-3A>T on transcript NM_001354604.2 (MANE Select); 3 bases into the intron before coding-DNA position 956, A replaced by T.
Molecular consequence: intron variant.
Genome position (GRCh38, 1-based): chr3:69,956,452, A>T. VCF-style: chr3-69956452-A-T. GRCh37 (hg19) VCF-style: chr3-70005603-A-T.
Other names: c.887-3A>T (NM_001354607.2); c.782-3A>T (NM_001354608.2, NM_001184967.2); c.938-3A>T (NM_198159.3); c.953-3A>T (NM_001354605.2); c.935-3A>T (NM_001354606.2, NM_006722.3); c.890-3A>T (NM_198177.3); c.635-3A>T (NM_000248.4); c.617-3A>T (NM_198158.3); and 1 more.
Identifiers: ClinVar variation 1196734 (VCV001196734.4), dbSNP rs775489256, ClinGen allele CA2490523.
Genomic context (GRCh38, chr3:69,956,452, plus strand): 5'-AGATGTGCTAAATGCATACATGGCACTGTTACTAATAGCCTTTCCTGTGCTCTTTTCTTG[A>T]AGTTGAACGAAGAAGAAGATTTAACATAAATGACCGCATTAAAGAACTAGGTACTTTGAT-3'

ClinVar aggregate classification (germline): Conflicting classifications of pathogenicity. Review status: criteria provided, conflicting classifications (1 of 4 stars). 2 submissions from 2 submitters: Uncertain significance (1); Likely benign (1). Last evaluated 2026-01-06.

Conditions:
Tietz syndrome (TADS). Also called: HYPOPIGMENTATION/DEAFNESS OF TIETZ; ALBINISM-DEAFNESS OF TIETZ; TIETZ ALBINISM-DEAFNESS SYNDROME. Identifiers: Orphanet 42665, MedGen C0391816, MONDO:0007077, OMIM 103500.
Waardenburg syndrome type 2A (WS2A). Also called: WAARDENBURG SYNDROME WITHOUT DYSTOPIA CANTHORUM. Identifiers: Orphanet 3440, MedGen C1860339, MONDO:0008671, OMIM 193510.
Melanoma, cutaneous malignant, susceptibility to, 8. Also called: Cutaneous malignant melanoma 8; MELANOMA AND RENAL CELL CARCINOMA, SUSCEPTIBILITY TO. Identifiers: Orphanet 293822, MedGen C3152204, MONDO:0013759, OMIM 614456.

Allele frequency attached by ClinVar (database versions not stated): gnomAD exomes 0.00001 and 0.00003; ExAC 0.00002; gnomAD 0.00002; TOPMed 0.00002.
gnomAD v4.1: 38 of 1,611,954 alleles (0.0024%); highest among the groups gnomAD compares: Non-Finnish European, 0.0031%; no homozygotes.

Submissions (2):

Labcorp Genetics (formerly Invitae), Labcorp
Classification: Uncertain significance for Melanoma, cutaneous malignant, susceptibility to, 8; Waardenburg syndrome type 2A; Tietz syndrome. Last evaluated: 2026-01-06. Review status: criteria provided, single submitter. Criteria: Invitae Variant Classification Sherloc (09022015). Collection method: clinical testing. Allele origin: germline.
Comment: This sequence change falls in intron 6 of the MITF gene. It does not directly change the encoded amino acid sequence of the MITF protein. It affects a nucleotide within the consensus splice site. This variant is present in population databases (rs775489256, gnomAD 0.007%). This variant has not been reported in the literature in individuals affected with MITF-related conditions. ClinVar contains an entry for this variant (Variation ID: 1196734). Variants that disrupt the consensus splice site are a relatively common cause of aberrant splicing (PMID: 17576681, 9536098). Algorithms developed to predict the effect of sequence changes on RNA splicing suggest that this variant is not likely to affect RNA splicing. In summary, the available evidence is currently insufficient to determine the role of this variant in disease. Therefore, it has been classified as a Variant of Uncertain Significance.

GeneDx
Classification: Likely benign. Last evaluated: 2020-10-23. Review status: criteria provided, single submitter. Criteria: GeneDx Variant Classification Process June 2021. Collection method: clinical testing. Allele origin: germline. Affected: yes.

Literature cited by the submitters: PubMed 17576681 (cited by Labcorp Genetics (formerly Invitae), Labcorp); PubMed 9536098 (cited by Labcorp Genetics (formerly Invitae), Labcorp).